The following is an entry in ClinVar:

NM_001365999.1(SZT2):c.3309+9C>T

Gene: SZT2 (SZT2 subunit of KICSTOR complex; plus strand). Cytogenetic location: 1p34.2.
Variant type: single nucleotide variant.
Coding change: c.3309+9C>T on transcript NM_001365999.1 (MANE Select); 9 bases into the intron after coding-DNA position 3309, C replaced by T.
Molecular consequence: intron variant.
Genome position (GRCh38, 1-based): chr1:43,426,818, C>T. VCF-style: chr1-43426818-C-T. GRCh37 (hg19) VCF-style: chr1-43892489-C-T.
Other names: p.?; c.3138+9C>T (NM_015284.4).
Identifiers: ClinVar variation 416959 (VCV000416959.16), dbSNP rs140366288, ClinGen allele CA808940.

ClinVar aggregate classification (germline): Benign/Likely benign. Review status: criteria provided, multiple submitters, no conflicts (2 of 4 stars). 5 submissions from 5 submitters: Benign (1); Likely benign (2). 2 of the submissions do not count toward it. Last evaluated 2026-01-27.

Allele frequency attached by ClinVar (database versions not stated): 1000 Genomes Project 30x 0.00016; 1000 Genomes Project 0.00020; gnomAD exomes 0.00087 and 0.00144; ExAC 0.00093; TOPMed 0.00106; gnomAD 0.00109; ESP Exome Variant Server 0.00123.
gnomAD v4.1: 2,258 of 1,612,260 alleles (0.14%); highest among the groups gnomAD compares: Non-Finnish European, 0.17%; 6 homozygotes.

Submissions (5):

Labcorp Genetics (formerly Invitae), Labcorp
Classification: Likely benign. Last evaluated: 2026-01-27. Review status: criteria provided, single submitter. Criteria: Invitae Variant Classification Sherloc (09022015). Collection method: clinical testing. Allele origin: germline.

Mayo Clinic Laboratories, Mayo Clinic
Classification: Benign. Last evaluated: 2025-09-22. Review status: criteria provided, single submitter. Criteria: ACMG Guidelines, 2015. Collection method: clinical testing. Allele origin: germline. Observed: 1 variant allele.
Comment: BS1, BS2, BP4, BP7

Blueprint Genetics
Classification: Likely benign. Last evaluated: 2024-11-06. Review status: criteria provided, single submitter. Criteria: ACMG Guidelines, 2015. Collection method: clinical testing. Allele origin: germline.

Clinical Genetics DNA and cytogenetics Diagnostics Lab, Erasmus MC, Erasmus Medical Center
Classification: Likely benign. Review status: no assertion criteria provided. Collection method: clinical testing. Allele origin: germline. Affected: yes. Study: VKGL Data-share Consensus. Not counted in ClinVar's aggregate classification.

Genome Diagnostics Laboratory, University Medical Center Utrecht
Classification: Likely benign. Review status: no assertion criteria provided. Collection method: clinical testing. Allele origin: germline. Affected: yes. Study: VKGL Data-share Consensus. Not counted in ClinVar's aggregate classification.